The following is an entry in ClinVar:

ClinVar aggregate classification (germline): Uncertain significance (1 of 4 stars; one submission).

Conditions:
Dilated cardiomyopathy 3B (CMD3B). Also called: CMD3B: DMD-Related Dilated Cardiomyopathy; CARDIOMYOPATHY, DILATED, X-LINKED; DMD-Associated Dilated Cardiomyopathy. Identifiers: Orphanet 154, MedGen C3668940, MONDO:0010542, OMIM 302045.

Submission:

Institute of Human Genetics, University of Leipzig Medical Center
Classification: Uncertain significance for Dilated cardiomyopathy 3B. Last evaluated: 2023-03-20. Review status: criteria provided, single submitter. Criteria: ACMG Guidelines, 2015. Collection method: clinical testing. Allele origin: unknown. Affected: yes.
Comment: _x000D_ Criteria applied: PM2_SUP

NM_001105206.3(LAMA4):c.945C>G (p.Asn315Lys)

Gene: LAMA4 (laminin subunit alpha 4; minus strand). Cytogenetic location: 6q21.
Variant type: single nucleotide variant.
Coding change: c.945C>G on transcript NM_001105206.3 (MANE Select); coding-DNA position 945, C replaced by G.
Protein change: p.Asn315Lys; replaces asparagine 315 with lysine.
Molecular consequence: missense variant.
Genome position (GRCh38, 1-based): chr6:112,187,471, G>C on the plus strand (C>G on the coding strand, the complement: LAMA4 is on the minus strand). VCF-style: chr6-112187471-G-C. GRCh37 (hg19) VCF-style: chr6-112508673-G-C.
Other names: c.924C>G, p.Asn308Lys (NM_001105207.3, NM_002290.5); short protein forms N308K, N315K.
Identifiers: ClinVar variation 2500304 (VCV002500304.1), dbSNP rs782772720, ClinGen allele CA365375904.